The following is an entry in ClinVar:

ClinVar aggregate classification (germline): Uncertain significance (1 of 4 stars; one submission).

Conditions:
Lower motor neuron syndrome with late-adult onset (SMAJ). Also called: Spinal muscular atrophy, Jokela type; Late-Onset Spinal Motor Neuronopathy (SMAJ). Identifiers: Orphanet 276435, MedGen C3554398, MONDO:0014025, OMIM 615048.
Frontotemporal dementia and/or amyotrophic lateral sclerosis 2. Also called: FTDALS2. Identifiers: Orphanet 275872, MedGen C4014648, MONDO:0014395, OMIM 615911.
Autosomal dominant mitochondrial myopathy with exercise intolerance (IMMD). Also called: Myopathy, isolated mitochondrial, autosomal dominant. Identifiers: Orphanet 457050, MedGen C4015513, MONDO:0014532, OMIM 616209.

Submission:

Labcorp Genetics (formerly Invitae), Labcorp
Classification: Uncertain significance for Lower motor neuron syndrome with late-adult onset; Frontotemporal dementia and/or amyotrophic lateral sclerosis 2; Autosomal dominant mitochondrial myopathy with exercise intolerance. Last evaluated: 2026-01-27. Review status: criteria provided, single submitter. Criteria: Invitae Variant Classification Sherloc (09022015). Collection method: clinical testing. Allele origin: germline.
Comment: This sequence change replaces alanine, which is neutral and non-polar, with glutamic acid, which is acidic and polar, at codon 53 of the CHCHD10 protein (p.Ala53Glu). The frequency data for this variant in the population databases is considered unreliable, as metrics indicate poor data quality at this position in the gnomAD database. This variant has not been reported in the literature in individuals affected with CHCHD10-related conditions. An algorithm developed to predict the effect of missense changes on protein structure and function (PolyPhen-2) suggests that this variant is likely to be disruptive. In summary, the available evidence is currently insufficient to determine the role of this variant in disease. Therefore, it has been classified as a Variant of Uncertain Significance.

NM_213720.3(CHCHD10):c.158C>A (p.Ala53Glu)

Gene: CHCHD10 (coiled-coil-helix-coiled-coil-helix domain containing 10; minus strand). Cytogenetic location: 22q11.23.
Variant type: single nucleotide variant.
Coding change: c.158C>A on transcript NM_213720.3 (MANE Select); coding-DNA position 158, C replaced by A.
Protein change: p.Ala53Glu; replaces alanine 53 with glutamic acid.
Molecular consequence: missense variant. On other transcripts: non-coding transcript variant (1).
Genome position (GRCh38, 1-based): chr22:23,767,477, G>T on the plus strand (C>A on the coding strand, the complement: CHCHD10 is on the minus strand). VCF-style: chr22-23767477-G-T. GRCh37 (hg19) VCF-style: chr22-24109664-G-T.
Other names: c.158C>A, p.Ala53Glu (NM_001301339.2); short protein forms A53E.
Identifiers: ClinVar variation 4787380 (VCV004787380.1).